The following is an entry in ClinVar:

NM_000391.4(TPP1):c.1402A>C (p.Ile468Leu)

Gene: TPP1 (tripeptidyl peptidase 1; minus strand). Cytogenetic location: 11p15.4.
Variant type: single nucleotide variant.
Coding change: c.1402A>C on transcript NM_000391.4 (MANE Select); coding-DNA position 1402, A replaced by C.
Protein change: p.Ile468Leu; replaces isoleucine 468 with leucine.
Molecular consequence: missense variant.
Genome position (GRCh38, 1-based): chr11:6,615,194, T>G on the plus strand (A>C on the coding strand, the complement: TPP1 is on the minus strand). VCF-style: chr11-6615194-T-G. GRCh37 (hg19) VCF-style: chr11-6636425-T-G.
Other names: p.I468L:ATT>CTT; short protein forms I468L.
Identifiers: ClinVar variation 207593 (VCV000207593.3), dbSNP rs796053443, ClinGen allele CA319212.

ClinVar aggregate classification (germline): Uncertain significance. Review status: criteria provided, multiple submitters, no conflicts (2 of 4 stars). 2 submissions from 2 submitters: Uncertain significance (2). Last evaluated 2024-05-07.

Conditions:
Inborn genetic diseases. Identifiers: MedGen C0950123, MeSH D030342.

Submissions (2):

Ambry Genetics
Classification: Uncertain significance for Inborn genetic diseases. Last evaluated: 2024-05-07. Review status: criteria provided, single submitter. Criteria: Ambry Variant Classification Scheme 2023. Collection method: clinical testing. Allele origin: germline.

GeneDx
Classification: Uncertain significance. Last evaluated: 2012-10-03. Review status: criteria provided, single submitter. Criteria: GeneDx Variant Classification (06012015). Collection method: clinical testing. Allele origin: germline. Affected: yes.
Comment: p.Ile468Leu (ATT>CTT):c.1402 A>C in exon 11 of the TPP1 gene (NM_000391.3)The Ile468Leu missense change has not been published as a mutation, nor has it been reported as a benign polymorphism to our knowledge. The NHLBI ESP Exome Variant Project has not identified Ile468Leu in approximately 6,500 individuals of European or African American ethnicity, indicating that it is not a common benign variant in these populations. The amino acid substitution is conservative, as both Isoleucine and Leucine are uncharged, non-polar amino acid residues. However, Ile468Leu alters a position in the tripeptidyl-peptidase 1 (TPP-1) protein that is well conserved in mammals. Several in silico models predict that Ile468Leu is benign, although one model indicates it may be damaging to protein structure/function. Therefore, based on the currently available information, it is unclear whether Ile468Leu is a disease-causing mutation or a rare benign variant. The variant is found in EPILEPSY panel(s).